The following is an entry in ClinVar:

NM_152564.5(VPS13B):c.11284G>A (p.Ala3762Thr)

Gene: VPS13B (vacuolar protein sorting 13 homolog B; plus strand). Cytogenetic location: 8q22.2.
Variant type: single nucleotide variant.
Coding change: c.11284G>A on transcript NM_152564.5 (MANE Select); coding-DNA position 11284, G replaced by A.
Protein change: p.Ala3762Thr; replaces alanine 3762 with threonine.
Molecular consequence: missense variant.
Genome position (GRCh38, 1-based): chr8:99,868,357, G>A. VCF-style: chr8-99868357-G-A. GRCh37 (hg19) VCF-style: chr8-100880585-G-A.
Other names: c.11359G>A, p.Ala3787Thr (NM_017890.5); short protein forms A3762T, A3787T.
Identifiers: ClinVar variation 1983711 (VCV001983711.2), dbSNP rs1407104363, ClinGen allele CA371791979.

ClinVar aggregate classification (germline): Uncertain significance (1 of 4 stars; one submission).

Conditions:
Cohen syndrome (COH1). Also called: PEPPER SYNDROME; Cutis verticis gyrata, retinitis pigmentosa, and sensorineural deafness. Identifiers: Orphanet 193, MedGen C0265223, MONDO:0008999, OMIM 216550.

Allele frequency attached by ClinVar (database versions not stated): gnomAD 0.00001.
gnomAD v4.1: 1 of 1,614,064 alleles (0.000062%); highest among the groups gnomAD compares: East Asian, 0.0022%; no homozygotes.

Submission:

Labcorp Genetics (formerly Invitae), Labcorp
Classification: Uncertain significance for Cohen syndrome. Last evaluated: 2025-04-07. Review status: criteria provided, single submitter. Criteria: Invitae Variant Classification Sherloc (09022015). Collection method: clinical testing. Allele origin: germline.
Comment: This sequence change replaces alanine, which is neutral and non-polar, with threonine, which is neutral and polar, at codon 3787 of the VPS13B protein (p.Ala3787Thr). This variant is present in population databases (no rsID available, gnomAD 0.06%). This variant has not been reported in the literature in individuals affected with VPS13B-related conditions. ClinVar contains an entry for this variant (Variation ID: 1983711). Invitae Evidence Modeling of protein sequence and biophysical properties (such as structural, functional, and spatial information, amino acid conservation, physicochemical variation, residue mobility, and thermodynamic stability) indicates that this missense variant is expected to disrupt VPS13B protein function with a positive predictive value of 80%. In summary, the available evidence is currently insufficient to determine the role of this variant in disease. Therefore, it has been classified as a Variant of Uncertain Significance.